The following is an entry in ClinVar:

ClinVar aggregate classification (germline): Uncertain significance (1 of 4 stars; one submission).

Conditions:
Hereditary cancer-predisposing syndrome. Also called: Hereditary neoplastic syndrome; Neoplastic Syndromes, Hereditary; Tumor predisposition; Hereditary Cancer Syndrome. Identifiers: Orphanet 140162, MedGen C0027672, MeSH D009386, MONDO:0015356.

Submission:

Ambry Genetics
Classification: Uncertain significance for Hereditary cancer-predisposing syndrome. Last evaluated: 2025-08-24. Review status: criteria provided, single submitter. Criteria: Ambry Variant Classification Scheme 2023. Collection method: clinical testing. Allele origin: germline.
Comment: The p.S992G variant (also known as c.2974A>G), located in coding exon 15 of the APC gene, results from an A to G substitution at nucleotide position 2974. The serine at codon 992 is replaced by glycine, an amino acid with similar properties. This amino acid position is conserved. In addition, in silico predictors for this gene do not accurately predict pathogenicity. Based on the available evidence, the clinical significance of this variant remains unclear.

NM_000038.6(APC):c.2974A>G (p.Ser992Gly)

Gene: APC (APC regulator of Wnt signaling pathway; plus strand). Cytogenetic location: 5q22.2.
Variant type: single nucleotide variant.
Coding change: c.2974A>G on transcript NM_000038.6 (MANE Select); coding-DNA position 2974, A replaced by G.
Protein change: p.Ser992Gly; replaces serine 992 with glycine.
Molecular consequence: missense variant. On other transcripts: non-coding transcript variant (2).
Genome position (GRCh38, 1-based): chr5:112,838,568, A>G. VCF-style: chr5-112838568-A-G. GRCh37 (hg19) VCF-style: chr5-112174265-A-G.
Other names: c.3028A>G, p.Ser1010Gly (NM_001407448.1, NM_001407449.1, NM_001354896.2 and 1 more transcripts); c.2974A>G, p.Ser992Gly (NM_001407450.1, NM_001127510.3, NM_001354895.2); c.2953A>G, p.Ser985Gly (NM_001407451.1); c.2944A>G, p.Ser982Gly (NM_001407452.1); c.2797A>G, p.Ser933Gly (NM_001407453.1, NM_001354901.2); c.2725A>G, p.Ser909Gly (NM_001407454.1, NM_001407455.1, NM_001407456.1 and 1 more transcripts); c.2587A>G, p.Ser863Gly (NM_001407469.1, NM_001407467.1); c.2125A>G, p.Ser709Gly (NM_001407470.1, NM_001354906.2); and 11 more; short protein forms S709G, S909G, S974G, S985G, S992G, S1010G, S1020G, S832G.
Identifiers: ClinVar variation 4121623 (VCV004121623.1).
Genomic context (GRCh38, chr5:112,838,568, plus strand): 5'-GGTTATGGTAAAAGAGGTCAAATGAAACCCTCGATTGAATCCTATTCTGAAGATGATGAA[A>G]GTAAGTTTTGCAGTTATGGTCAATACCCAGCCGACCTAGCCCATAAAATACATAGTGCAA-3'
Protein context (NP_000029.2, residues 982-1002): SIESYSEDDE[Ser992Gly]KFCSYGQYPA